The following is an entry in ClinVar:

ClinVar aggregate classification (germline): Uncertain significance (1 of 4 stars; one submission).

Conditions:
X-linked agammaglobulinemia with growth hormone deficiency (IGHD3). Also called: HYPOGAMMAGLOBULINEMIA AND ISOLATED GROWTH HORMONE DEFICIENCY, X-LINKED; IGHD III; AGAMMAGLOBULINEMIA AND ISOLATED GROWTH HORMONE DEFICIENCY, X-LINKED; FLEISHER SYNDROME; ISOLATED GROWTH HORMONE DEFICIENCY, TYPE III, WITH AGAMMAGLOBULINEMIA; Isolated growth hormone deficiency type 3. Identifiers: Orphanet 231692, Orphanet 631, MedGen C0472813, MONDO:0010615, OMIM 307200.

Submission:

Labcorp Genetics (formerly Invitae), Labcorp
Classification: Uncertain significance for X-linked agammaglobulinemia with growth hormone deficiency. Last evaluated: 2025-07-29. Review status: criteria provided, single submitter. Criteria: Invitae Variant Classification Sherloc (09022015). Collection method: clinical testing. Allele origin: germline.
Comment: This sequence change replaces phenylalanine, which is neutral and non-polar, with serine, which is neutral and polar, at codon 25 of the BTK protein (p.Phe25Ser). This variant is not present in population databases (gnomAD no frequency). This missense change has been observed in individual(s) with x-linked agammaglobulinemia (PMID: 7711734). Invitae Evidence Modeling of protein sequence and biophysical properties (such as structural, functional, and spatial information, amino acid conservation, physicochemical variation, residue mobility, and thermodynamic stability) has been performed for this missense variant. However, the output from this modeling did not meet the statistical confidence thresholds required to predict the impact of this variant on BTK protein function. Experimental studies have shown that this missense change affects BTK function (PMID: 8939985). In summary, the available evidence is currently insufficient to determine the role of this variant in disease. Therefore, it has been classified as a Variant of Uncertain Significance.

Literature cited by the submitters: PubMed 7711734; PubMed 8939985.

NM_000061.3(BTK):c.74T>C (p.Phe25Ser)

Gene: BTK (Bruton tyrosine kinase; minus strand). Cytogenetic location: Xq22.1.
Variant type: single nucleotide variant.
Coding change: c.74T>C on transcript NM_000061.3 (MANE Select); coding-DNA position 74, T replaced by C.
Protein change: p.Phe25Ser; replaces phenylalanine 25 with serine.
Molecular consequence: missense variant.
Genome position (GRCh38, 1-based): chrX:101,375,211, A>G on the plus strand (T>C on the coding strand, the complement: BTK is on the minus strand). VCF-style: chrX-101375211-A-G. GRCh37 (hg19) VCF-style: chrX-100630199-A-G.
Other names: c.176T>C, p.Phe59Ser (NM_001287344.2); c.74T>C, p.Phe25Ser (NM_001287345.2); short protein forms F59S, F25S.
Identifiers: ClinVar variation 4710835 (VCV004710835.1).